The following is an entry in ClinVar:

NM_001256071.3(RNF213):c.6154G>A (p.Val2052Met)

Gene: RNF213 (ring finger protein 213; plus strand). Cytogenetic location: 17q25.3.
Variant type: single nucleotide variant.
Coding change: c.6154G>A on transcript NM_001256071.3 (MANE Select); coding-DNA position 6154, G replaced by A.
Protein change: p.Val2052Met; replaces valine 2052 with methionine.
Molecular consequence: missense variant.
Genome position (GRCh38, 1-based): chr17:80,343,296, G>A. VCF-style: chr17-80343296-G-A. GRCh37 (hg19) VCF-style: chr17-78317096-G-A.
Other names: short protein forms V2052M.
Identifiers: ClinVar variation 721770 (VCV000721770.10), dbSNP rs80097023, ClinGen allele CA8820444.
Genomic context (GRCh38, chr17:80,343,296, plus strand): 5'-GAGAGCCGAGTCCTGGGCGCCCTGCTGCCCTTCCTGGATGCGCAGTATCAGAAGGTCCCC[G>A]TGCTCTTTCACCTGGACGTGACCTCCTCAGTAAGTGCCCTCCAGCGTCAGCCGATGGCCA-3'
Protein context (NP_001243000.2, residues 2042-2062): FLDAQYQKVP[Val2052Met]LFHLDVTSSV

ClinVar aggregate classification (germline): Benign. Review status: criteria provided, single submitter (1 of 4 stars). 2 submissions from 2 submitters: Benign (1). 1 of the submissions does not count toward it. Last evaluated 2025-02-04.

Conditions:
RNF213-related disorder. Also called: RNF213-related condition.

Allele frequency attached by ClinVar (database versions not stated): gnomAD exomes 0.00026 and 0.00064; ExAC 0.00094; gnomAD 0.00256 and 0.00268; TOPMed 0.00280; ESP Exome Variant Server 0.00308; 1000 Genomes Project 0.00319; 1000 Genomes Project 30x 0.00359.
gnomAD v4.1: 795 of 1,612,886 alleles (0.049%); highest among the groups gnomAD compares: African/African-American, 0.94%; 6 homozygotes.

Submissions (2):

Labcorp Genetics (formerly Invitae), Labcorp
Classification: Benign. Last evaluated: 2025-02-04. Review status: criteria provided, single submitter. Criteria: Invitae Variant Classification Sherloc (09022015). Collection method: clinical testing. Allele origin: germline.

PreventionGenetics, part of Exact Sciences
Classification: Likely benign for RNF213-related condition. Last evaluated: 2019-06-03. Review status: no assertion criteria provided. Collection method: clinical testing. Allele origin: germline. Not counted in ClinVar's aggregate classification.
Comment: This variant is classified as likely benign based on ACMG/AMP sequence variant interpretation guidelines (Richards et al. 2015 PMID: 25741868, with internal and published modifications).